The following is an entry in ClinVar:

NM_020944.3(GBA2):c.2467G>T (p.Gly823Cys)

Gene: GBA2 (glucosylceramidase beta 2; minus strand). Cytogenetic location: 9p13.3.
Variant type: single nucleotide variant.
Coding change: c.2467G>T on transcript NM_020944.3 (MANE Select); coding-DNA position 2467, G replaced by T.
Protein change: p.Gly823Cys; replaces glycine 823 with cysteine.
Molecular consequence: missense variant.
Genome position (GRCh38, 1-based): chr9:35,737,786, C>A on the plus strand (G>T on the coding strand, the complement: GBA2 is on the minus strand). VCF-style: chr9-35737786-C-A. GRCh37 (hg19) VCF-style: chr9-35737783-C-A.
Other names: c.2467G>T, p.Gly823Cys (NM_001330660.2); short protein forms G823C.
Identifiers: ClinVar variation 949747 (VCV000949747.7), dbSNP rs1163977326, ClinGen allele CA373403287.

ClinVar aggregate classification (germline): Uncertain significance. Review status: criteria provided, multiple submitters, no conflicts (2 of 4 stars). 2 submissions from 2 submitters: Uncertain significance (2). Last evaluated 2025-01-15.

Conditions:
Spastic paraplegia. Identifiers: MedGen C0037772, HP:0001258.

Allele frequency attached by ClinVar (database versions not stated): gnomAD exomes below 0.00001 and 0.00001; TOPMed 0.00002; gnomAD 0.00003.

Submissions (2):

GeneDx
Classification: Uncertain significance. Last evaluated: 2025-01-15. Review status: criteria provided, single submitter. Criteria: GeneDx Variant Classification Process June 2021. Collection method: clinical testing. Allele origin: germline. Affected: yes.
Comment: Not observed at significant frequency in large population cohorts (gnomAD); In silico analysis supports that this missense variant has a deleterious effect on protein structure/function; Has not been previously published as pathogenic or benign to our knowledge

Labcorp Genetics (formerly Invitae), Labcorp
Classification: Uncertain significance for Spastic paraplegia. Last evaluated: 2023-12-06. Review status: criteria provided, single submitter. Criteria: Invitae Variant Classification Sherloc (09022015). Collection method: clinical testing. Allele origin: germline.
Comment: This sequence change replaces glycine, which is neutral and non-polar, with cysteine, which is neutral and slightly polar, at codon 823 of the GBA2 protein (p.Gly823Cys). This variant is present in population databases (no rsID available, gnomAD 0.0009%). This variant has not been reported in the literature in individuals affected with GBA2-related conditions. ClinVar contains an entry for this variant (Variation ID: 949747). Advanced modeling of protein sequence and biophysical properties (such as structural, functional, and spatial information, amino acid conservation, physicochemical variation, residue mobility, and thermodynamic stability) performed at Invitae indicates that this missense variant is expected to disrupt GBA2 protein function with a positive predictive value of 80%. In summary, the available evidence is currently insufficient to determine the role of this variant in disease. Therefore, it has been classified as a Variant of Uncertain Significance.